The following is an entry in ClinVar:

ClinVar aggregate classification (germline): Conflicting classifications of pathogenicity. Review status: criteria provided, conflicting classifications (1 of 4 stars). 7 submissions from 7 submitters: Uncertain significance (3); Likely benign (3). 1 of the submissions does not count toward it. Last evaluated 2026-02-20.

Conditions:
Hereditary cancer-predisposing syndrome. Also called: Tumor predisposition; Hereditary neoplastic syndrome; Neoplastic Syndromes, Hereditary; Hereditary Cancer Syndrome. Identifiers: Orphanet 140162, MedGen C0027672, MeSH D009386, MONDO:0015356.
Tuberous sclerosis 1 (TSC1). Identifiers: Orphanet 805, MedGen C1854465, MONDO:0008612, OMIM 191100.
Isolated focal cortical dysplasia type II (FCORD2). Also called: CORTICAL DYSPLASIA OF TAYLOR; Focal cortical dysplasia type II. Identifiers: Orphanet 268994, MedGen C1846385, MONDO:0011818, OMIM 607341, HP:0032051.
Lymphangiomyomatosis (LAM). Also called: Lymphangioleiomyomatosis; Lymphangioleiomyomatosis, somatic. Identifiers: Orphanet 538, MedGen C0751674, MONDO:0011705, OMIM 606690.
Tuberous sclerosis syndrome (TSC). Also called: Tuberous sclerosis; Tuberous Sclerosis Complex. Identifiers: Orphanet 805, MedGen C0041341, MONDO:0001734.

Submissions (7):

St. Jude Molecular Pathology, St. Jude Children's Research Hospital
Classification: Uncertain significance for Tuberous sclerosis 1. Last evaluated: 2026-02-20. Review status: criteria provided, single submitter. Criteria: St. Jude Assertion Criteria 2020. Collection method: clinical testing. Allele origin: germline.
Comment: The TSC1 c.2665_2666delinsAT p.(Glu889Ile) change deletes two nucleotides and inserts two different nucleotides at position 2665 to 2666 to cause the substitution of the glutamate residue for an isoleucine resi due at codon 889. In silico evaluation of the impact of this variant on protein function cannot be determined and functional studies have not been performed. To our knowledge, this variant has not been reported in individuals with tuberous sclerosis comp lex. In summary, the evidence currently available is insufficient to determine the clinical significance of this variant. It has therefore been classified as of uncertain significance.

Labcorp Genetics (formerly Invitae), Labcorp
Classification: Likely benign for Tuberous sclerosis 1. Last evaluated: 2026-01-18. Review status: criteria provided, single submitter. Criteria: Invitae Variant Classification Sherloc (09022015). Collection method: clinical testing. Allele origin: germline.

Color Diagnostics, LLC DBA Color Health
Classification: Uncertain significance for Tuberous sclerosis syndrome. Last evaluated: 2025-06-25. Review status: criteria provided, single submitter. Criteria: ACMG Guidelines, 2015. Collection method: clinical testing. Allele origin: germline.
Comment: This missense variant replaces glutamic acid with isoleucine at codon 889 of the TSC1 protein. To our knowledge, functional studies have not been reported for this variant. This variant has not been reported in individuals affected with TSC1-related disorders in the literature. This variant has not been identified in the general population by the Genome Aggregation Database (gnomAD). The available evidence is insufficient to determine the role of this variant in disease conclusively. Therefore, this variant is classified as a Variant of Uncertain Significance.

Fulgent Genetics
Classification: Uncertain significance for Tuberous sclerosis 1; Lymphangiomyomatosis; Isolated focal cortical dysplasia type II. Last evaluated: 2024-02-04. Review status: criteria provided, single submitter. Criteria: ACMG Guidelines, 2015. Collection method: clinical testing. Allele origin: germline.

Ambry Genetics
Classification: Likely benign for Hereditary cancer-predisposing syndrome. Last evaluated: 2023-11-17. Review status: criteria provided, single submitter. Criteria: Ambry Variant Classification Scheme 2023. Collection method: clinical testing. Allele origin: germline.

Genome-Nilou Lab
Classification: Likely benign for Tuberous sclerosis 1. Last evaluated: 2021-11-07. Review status: criteria provided, single submitter. Criteria: ACMG Guidelines, 2015. Collection method: clinical testing. Allele origin: germline. Affected: no.

ITMI
No classification provided. Condition: AllHighlyPenetrant. Last evaluated: 2013-09-19. Review status: no classification provided. Collection method: reference population. Allele origin: germline. Not counted in ClinVar's aggregate classification.
Comment: Please see associated publication for description of ethnicities

Literature cited by the submitters: PubMed 11438694 (cited by Ambry Genetics); PubMed 11875047 (cited by Ambry Genetics); PubMed 29784605 (cited by Ambry Genetics); PubMed 24728327 (cited by ITMI).

NM_000368.5(TSC1):c.2665_2666delinsAT (p.Glu889Ile)

Gene: TSC1 (TSC complex subunit 1; minus strand). Cytogenetic location: 9q34.13.
Variant type: Indel.
Coding change: c.2665_2666delinsAT on transcript NM_000368.5 (MANE Select); coding-DNA positions 2665 to 2666, GA replaced by AT.
Protein change: p.Glu889Ile; replaces glutamic acid 889 with isoleucine.
Molecular consequence: missense variant.
Genome position (GRCh38, 1-based): chr9:132,897,570-132,897,571, TC replaced by AT on the plus strand (GA replaced by AT on the coding strand, the reverse complement: TSC1 is on the minus strand). VCF-style: chr9-132897570-TC-AT. GRCh37 (hg19) VCF-style: chr9-135772957-TC-AT.
Other names: c.2665_2666delGAinsAT (NM_000368.4); c.2662_2663delinsAT, p.Glu888Ile (NM_001162426.2); c.2512_2513delinsAT, p.Glu838Ile (NM_001162427.2); c.2302_2303delinsAT, p.Glu768Ile (NM_001362177.2); short protein forms E889I, E768I, E838I, E888I.
Identifiers: ClinVar variation 135366 (VCV000135366.21), dbSNP rs587778724, ClinGen allele CA006829.
Genomic context (GRCh38, chr9:132,897,570, plus strand): 5'-ATCCGTTTTTGGGAGGTATCAAGCCTCTGAGTCTGCTGGAGAACATGGCTTCTGTTTTTT[TC>AT]TAGCTCTTTCCGATAGGCGGCTTTCATCATTTCTACTTCCTGAAAAAAAAAAAAAAAAAA-3'
Protein context (NP_000359.1, residues 879-899): MMKAAYRKEL[Glu889Ile]KNRSHVLQQT